The following is an entry in ClinVar:

ClinVar aggregate classification (germline): Uncertain significance. Review status: criteria provided, multiple submitters, no conflicts (2 of 4 stars). 2 submissions from 2 submitters: Uncertain significance (2). Last evaluated 2025-01-27.

Conditions:
Inborn genetic diseases. Identifiers: MedGen C0950123, MeSH D030342.

Allele frequency attached by ClinVar (database versions not stated): gnomAD exomes 0.00003 and 0.00008; ExAC 0.00012; gnomAD 0.00029 and 0.00031; TOPMed 0.00030; ESP Exome Variant Server 0.00042.
gnomAD v4.1: 86 of 1,613,788 alleles (0.0053%); highest among the groups gnomAD compares: African/African-American, 0.1%; no homozygotes.

Submissions (2):

Ambry Genetics
Classification: Uncertain significance for Inborn genetic diseases. Last evaluated: 2025-01-27. Review status: criteria provided, single submitter. Criteria: Ambry Variant Classification Scheme 2023. Collection method: clinical testing. Allele origin: germline.

Labcorp Genetics (formerly Invitae), Labcorp
Classification: Uncertain significance. Last evaluated: 2022-06-13. Review status: criteria provided, single submitter. Criteria: Invitae Variant Classification Sherloc (09022015). Collection method: clinical testing. Allele origin: germline.
Comment: This sequence change replaces glutamic acid, which is acidic and polar, with lysine, which is basic and polar, at codon 77 of the DOCK6 protein (p.Glu77Lys). This variant is present in population databases (rs368217762, gnomAD 0.1%). This variant has not been reported in the literature in individuals affected with DOCK6-related conditions. Algorithms developed to predict the effect of missense changes on protein structure and function are either unavailable or do not agree on the potential impact of this missense change (SIFT: "Deleterious"; PolyPhen-2: "Possibly Damaging"; Align-GVGD: "Class C0"). Algorithms developed to predict the effect of sequence changes on RNA splicing suggest that this variant may create or strengthen a splice site. In summary, the available evidence is currently insufficient to determine the role of this variant in disease. Therefore, it has been classified as a Variant of Uncertain Significance.

NM_020812.4(DOCK6):c.229G>A (p.Glu77Lys)

Gene: DOCK6 (dedicator of cytokinesis 6; minus strand). Cytogenetic location: 19p13.2.
Variant type: single nucleotide variant.
Coding change: c.229G>A on transcript NM_020812.4 (MANE Select); coding-DNA position 229, G replaced by A.
Protein change: p.Glu77Lys; replaces glutamic acid 77 with lysine.
Molecular consequence: missense variant.
Genome position (GRCh38, 1-based): chr19:11,252,862, C>T on the plus strand (G>A on the coding strand, the complement: DOCK6 is on the minus strand). VCF-style: chr19-11252862-C-T. GRCh37 (hg19) VCF-style: chr19-11363538-C-T.
Other names: c.229G>A, p.Glu77Lys (NM_001367830.1); c.229G>A (NM_020812.2); short protein forms E77K.
Identifiers: ClinVar variation 1394811 (VCV001394811.5), dbSNP rs368217762, ClinGen allele CA9208589.